The following is an entry in ClinVar:

NM_000540.3(RYR1):c.7835+12C>G

Gene: RYR1 (ryanodine receptor 1; plus strand). Cytogenetic location: 19q13.2.
Variant type: single nucleotide variant.
Coding change: c.7835+12C>G on transcript NM_000540.3 (MANE Select); 12 bases into the intron after coding-DNA position 7835, C replaced by G.
Molecular consequence: intron variant.
Genome position (GRCh38, 1-based): chr19:38,502,739, C>G. VCF-style: chr19-38502739-C-G. GRCh37 (hg19) VCF-style: chr19-38993379-C-G.
Other names: c.7835+12C>G (NM_001042723.2, NM_000540.2).
Identifiers: ClinVar variation 2176153 (VCV002176153.7), dbSNP rs755502084, ClinGen allele CA070373.

ClinVar aggregate classification (germline): Likely benign. Review status: criteria provided, multiple submitters, no conflicts (2 of 4 stars). 3 submissions from 3 submitters: Likely benign (2). 1 of the submissions does not count toward it. Last evaluated 2026-01-05.

Conditions:
RYR1-related disorder. Also called: RYR1-related condition; RYR1-related disorders. Identifiers: MedGen CN239331.

gnomAD v4.1: 17 of 1,367,428 alleles (0.0012%); highest among the groups gnomAD compares: Middle Eastern, 0.079%; no homozygotes.

Submissions (3):

Labcorp Genetics (formerly Invitae), Labcorp
Classification: Likely benign for RYR1-related disorder. Last evaluated: 2026-01-05. Review status: criteria provided, single submitter. Criteria: Invitae Variant Classification Sherloc (09022015). Collection method: clinical testing. Allele origin: germline.

Women's Health and Genetics/Laboratory Corporation of America, LabCorp
Classification: Likely benign. Last evaluated: 2023-11-03. Review status: criteria provided, single submitter. Criteria: LabCorp Variant Classification Summary - May 2015. Collection method: clinical testing. Allele origin: germline.
Comment: Variant summary: RYR1 c.7835+12C>G alters a non-conserved nucleotide located at a position not widely known to affect splicing. Consensus agreement among computation tools predict no significant impact on normal splicing. However, these predictions have yet to be confirmed by functional studies. The variant allele was found at a frequency of 1.4e-05 in 209446 control chromosomes. The available data on variant occurrences in the general population are insufficient to allow any conclusion about variant significance. To our knowledge, no occurrence of c.7835+12C>G in individuals affected with Myopathy, RYR1-Associated and no experimental evidence demonstrating its impact on protein function have been reported. One submitter has cited clinical-significance assessments for this variant to ClinVar after 2014 and has classified the variant as likely benign. Based on the evidence outlined above, the variant was classified as likely benign.

PreventionGenetics, part of Exact Sciences
Classification: Likely benign for RYR1-related condition. Last evaluated: 2019-04-01. Review status: no assertion criteria provided. Collection method: clinical testing. Allele origin: germline. Not counted in ClinVar's aggregate classification.
Comment: This variant is classified as likely benign based on ACMG/AMP sequence variant interpretation guidelines (Richards et al. 2015 PMID: 25741868, with internal and published modifications).